The following is an entry in ClinVar:

ClinVar aggregate classification (germline): Uncertain significance (1 of 4 stars; one submission).

Conditions:
Fetal akinesia deformation sequence 1 (FADS1). Also called: Pena-Shokeir syndrome type I; Fetal akinesia sequence. Identifiers: Orphanet 994, MedGen C1276035, MONDO:0100101, OMIM 208150, HP:0001989.
Congenital myasthenic syndrome 10. Also called: Myasthenia, limb-girdle, familial. Identifiers: Orphanet 590, MedGen C1850792, MONDO:0009690, OMIM 254300.

Submission:

Labcorp Genetics (formerly Invitae), Labcorp
Classification: Uncertain significance for Congenital myasthenic syndrome 10; Fetal akinesia deformation sequence 1. Last evaluated: 2022-06-04. Review status: criteria provided, single submitter. Criteria: Invitae Variant Classification Sherloc (09022015). Collection method: clinical testing. Allele origin: germline.
Comment: This variant has not been reported in the literature in individuals affected with DOK7-related conditions. In summary, the available evidence is currently insufficient to determine the role of this variant in disease. Therefore, it has been classified as a Variant of Uncertain Significance. Algorithms developed to predict the effect of missense changes on protein structure and function are either unavailable or do not agree on the potential impact of this missense change (SIFT: "Deleterious"; PolyPhen-2: "Probably Damaging"; Align-GVGD: "Class C0"). This variant is not present in population databases (gnomAD no frequency). This sequence change replaces aspartic acid, which is acidic and polar, with alanine, which is neutral and non-polar, at codon 259 of the DOK7 protein (p.Asp259Ala).

NM_173660.5(DOK7):c.776A>C (p.Asp259Ala)

Gene: DOK7 (docking protein 7; plus strand). Cytogenetic location: 4p16.3.
Variant type: single nucleotide variant.
Coding change: c.776A>C on transcript NM_173660.5 (MANE Select); coding-DNA position 776, A replaced by C.
Protein change: p.Asp259Ala; replaces aspartic acid 259 with alanine.
Molecular consequence: missense variant. On other transcripts: synonymous variant (1), 5 prime UTR variant (1).
Genome position (GRCh38, 1-based): chr4:3,492,762, A>C. VCF-style: chr4-3492762-A-C. GRCh37 (hg19) VCF-style: chr4-3494489-A-C.
Other names: c.765A>C, p.Gly255= (NM_001164673.2); c.-155A>C (NM_001256896.2); c.776A>C, p.Asp259Ala (NM_001301071.2); c.344A>C, p.Asp115Ala (NM_001363811.2); short protein forms D259A, D115A.
Identifiers: ClinVar variation 2044538 (VCV002044538.4), dbSNP rs1560231590, ClinGen allele CA356115897.
Genomic context (GRCh38, chr4:3,492,762, plus strand): 5'-CGTCCTGCCCAGACCCCTGTACCCCCACAACTGCCTTGGCTTCCTGCTCTGTCTCAGGGG[A>C]TGACCGCAGCCTGTCCAGCTCATCCTCAGAGGCCAGTCACTTGGACGTCAGCGCCAGCAG-3'
Protein context (NP_775931.3, residues 249-269): SHAGRPGSGG[Asp259Ala]DRSLSSSSSE